The following is an entry in ClinVar:

NM_001110556.2(FLNA):c.4083C>T (p.His1361=)

Gene: FLNA (filamin A; minus strand). Cytogenetic location: Xq28.
Variant type: single nucleotide variant.
Coding change: c.4083C>T on transcript NM_001110556.2 (MANE Select); coding-DNA position 4083, C replaced by T.
Protein change: p.His1361=; no amino-acid change (histidine 1361 retained).
Molecular consequence: synonymous variant.
Genome position (GRCh38, 1-based): chrX:154,359,543, G>A on the plus strand (C>T on the coding strand, the complement: FLNA is on the minus strand). VCF-style: chrX-154359543-G-A. GRCh37 (hg19) VCF-style: chrX-153587911-G-A.
Other names: c.4083C>T, p.His1361= (NM_001456.4); c.4083C>T (NM_001110556.1).
Identifiers: ClinVar variation 1737648 (VCV001737648.7), dbSNP rs201475771, ClinGen allele CA10560600.

ClinVar aggregate classification (germline): Benign/Likely benign. Review status: criteria provided, multiple submitters, no conflicts (2 of 4 stars). 3 submissions from 3 submitters: Benign (1); Likely benign (1). 1 of the submissions does not count toward it. Last evaluated 2025-12-23.

Conditions:
Familial thoracic aortic aneurysm and aortic dissection (TAAD). Also called: Thoracic aortic aneurysms and dissections. Identifiers: Orphanet 91387, MedGen C4707243, MONDO:0019625.
FLNA-related disorder.
Melnick-Needles syndrome (MNS). Also called: MELNICK-NEEDLES OSTEODYSPLASTY; OSTEODYSPLASTY OF MELNICK AND NEEDLES; Melnick-Needles Syndrome (FLNA-MNS). Identifiers: Orphanet 2484, MedGen C0025237, MONDO:0010650, OMIM 309350.
Heterotopia, periventricular, X-linked dominant (PVNH1). Also called: PERIVENTRICULAR NODULAR HETEROTOPIA 1; X-linked periventricular heterotopia; HETEROTOPIA, PERIVENTRICULAR, 1; PERIVENTRICULAR NODULAR HETEROTOPIA 4. Identifiers: Orphanet 2149, Orphanet 82004, MedGen C1848213, MONDO:0010233, OMIM 300049.
Oto-palato-digital syndrome, type II (OPD2). Also called: OPD II SYNDROME; Otopalatodigital Syndrome, Type II; FACIOPALATOOSSEOUS SYNDROME; Otopalatodigital Syndrome Type 2 (FLNA-OPD2). Identifiers: Orphanet 669, Orphanet 90652, MedGen C1844696, MONDO:0010571, OMIM 304120.
Frontometaphyseal dysplasia (FMD1). Identifiers: Orphanet 1826, MedGen C0265293, MONDO:0015942.

Allele frequency attached by ClinVar (database versions not stated): TOPMed below 0.00001; gnomAD 0.00002; gnomAD exomes 0.00002; ExAC 0.00005; 1000 Genomes Project 30x 0.00021; 1000 Genomes Project 0.00026.
gnomAD v4.1: 21 of 1,209,627 alleles (0.0017%); highest among the groups gnomAD compares: East Asian, 0.0089%; no homozygotes.

Submissions (3):

Labcorp Genetics (formerly Invitae), Labcorp
Classification: Benign for Oto-palato-digital syndrome, type II; Heterotopia, periventricular, X-linked dominant; Frontometaphyseal dysplasia; Melnick-Needles syndrome. Last evaluated: 2025-12-23. Review status: criteria provided, single submitter. Criteria: Invitae Variant Classification Sherloc (09022015). Collection method: clinical testing. Allele origin: germline.

Ambry Genetics
Classification: Likely benign for Familial thoracic aortic aneurysm and aortic dissection. Last evaluated: 2020-11-09. Review status: criteria provided, single submitter. Criteria: Ambry Variant Classification Scheme 2023. Collection method: clinical testing. Allele origin: germline.

PreventionGenetics, part of Exact Sciences
Classification: Likely benign for FLNA-related condition. Last evaluated: 2020-03-30. Review status: no assertion criteria provided. Collection method: clinical testing. Allele origin: germline. Not counted in ClinVar's aggregate classification.
Comment: This variant is classified as likely benign based on ACMG/AMP sequence variant interpretation guidelines (Richards et al. 2015 PMID: 25741868, with internal and published modifications).